The following is an entry in ClinVar:

NM_000238.4(KCNH2):c.1479C>A (p.Tyr493Ter)

Gene: KCNH2 (potassium voltage-gated channel subfamily H member 2; minus strand). Cytogenetic location: 7q36.1.
Variant type: single nucleotide variant.
Coding change: c.1479C>A on transcript NM_000238.4 (MANE Select); coding-DNA position 1479, C replaced by A.
Protein change: p.Tyr493Ter; replaces tyrosine 493 with a stop codon.
Molecular consequence: nonsense.
Genome position (GRCh38, 1-based): chr7:150,952,503, G>T on the plus strand (C>A on the coding strand, the complement: KCNH2 is on the minus strand). VCF-style: chr7-150952503-G-T. GRCh37 (hg19) VCF-style: chr7-150649591-G-T.
Other names: c.459C>A, p.Tyr153Ter (NM_001204798.2, NM_172057.3); c.1191C>A, p.Tyr397Ter (NM_001406753.1, NM_001406756.1); c.1302C>A, p.Tyr434Ter (NM_001406755.1); c.1179C>A, p.Tyr393Ter (NM_001406757.1); c.1479C>A, p.Tyr493Ter (NM_172056.3); short protein forms Y153*, Y493*, Y393*, Y397*, Y434*.
Identifiers: ClinVar variation 237291 (VCV000237291.9), dbSNP rs878853771, ClinGen allele CA10582467.

ClinVar aggregate classification (germline): Pathogenic (1 of 4 stars; one submission).

Conditions:
Long QT syndrome (LQTS). Identifiers: MedGen C0023976, MeSH D008133, MONDO:0002442. Disease mechanism: loss of function. Inheritance: Various modes of inheritance.

Submission:

Labcorp Genetics (formerly Invitae), Labcorp
Classification: Pathogenic for Long QT syndrome. Last evaluated: 2015-12-09. Review status: criteria provided, single submitter. Criteria: Invitae Variant Classification Sherloc (09022015). Collection method: clinical testing. Allele origin: germline.
Comment: This sequence change creates a premature translational stop signal at codon 493 (p.Tyr493*). It is expected to result in an absent or disrupted protein product. For these reasons, this variant has been classified as Pathogenic. Truncating variants in KCNH2 are known to be pathogenic. This particular truncation has been reported in the literature (PMID: 9600240, 23631430).

Literature cited by the submitters: PubMed 9600240; PubMed 23631430.